The following is an entry in ClinVar:

ClinVar aggregate classification (germline): Conflicting classifications of pathogenicity. Review status: criteria provided, conflicting classifications (1 of 4 stars). 27 submissions from 23 submitters: Uncertain significance (4); Benign (9); Likely benign (8). 6 of the submissions do not count toward it. Last evaluated 2026-09-01.

Conditions:
Autosomal recessive limb-girdle muscular dystrophy type 2J (LGMDR10). Also called: MUSCULAR DYSTROPHY, LIMB-GIRDLE, AUTOSOMAL RECESSIVE 10; Limb-girdle muscular dystrophy, type 2J. Identifiers: Orphanet 140922, MedGen C1837342, MONDO:0012127, OMIM 608807.
Dilated cardiomyopathy 1G (CMD1G). Identifiers: Orphanet 154, MedGen C1858763, MONDO:0011400, OMIM 604145.
Cardiomyopathy (CMYO). Also called: Cardiomyopathies. Identifiers: Orphanet 167848, MedGen C0878544, MONDO:0004994, HP:0001638. Inheritance: Various modes of inheritance.
Early-onset myopathy with fatal cardiomyopathy (CMYO5). Also called: CONGENITAL MYOPATHY 5 WITH CARDIOMYOPATHY; Salih Myopathy. Identifiers: Orphanet 289377, MedGen C2673677, MONDO:0012714, OMIM 611705. Disease mechanism: loss of function.
Myopathy, myofibrillar, 9, with early respiratory failure (MFM9). Also called: Myopathy, distal, with early respiratory failure, autosomal dominant; Hereditary myopathy with early respiratory failure; EDSTROM MYOPATHY; MYOPATHY, PROXIMAL, WITH EARLY RESPIRATORY MUSCLE INVOLVEMENT. Identifiers: Orphanet 178464, Orphanet 34521, MedGen C1863599, MONDO:0011362, OMIM 603689.
Tibial muscular dystrophy (TMD). Also called: Tibial muscular dystrophy, tardive; Udd Distal Myopathy – Tibial Muscular Dystrophy; UDD MYOPATHY. Identifiers: Orphanet 609, MedGen C1838244, MONDO:0010870, OMIM 600334.

Allele frequency attached by ClinVar (database versions not stated): gnomAD exomes 0.00213 and 0.00312; 1000 Genomes Project 0.00020; gnomAD 0.00193 and 0.00192; ExAC 0.00203; ESP Exome Variant Server 0.00296; TOPMed 0.00203; 1000 Genomes Project 30x 0.00031.
gnomAD v4.1: 4,894 of 1,613,382 alleles (0.3%); highest among the groups gnomAD compares: Non-Finnish European, 0.34%; 15 homozygotes.

Submissions (27):

CeGaT Center for Human Genetics Tuebingen
Classification: Likely benign. Last evaluated: 2026-09-01. Review status: criteria provided, single submitter. Criteria: CeGaT Center For Human Genetics Tuebingen Variant Classification Criteria Version 2. Collection method: clinical testing. Allele origin: germline. Affected: yes. Observed: 51 variant alleles.
Comment: TTN: BP4, BS2

Labcorp Genetics (formerly Invitae), Labcorp
Classification: Benign for Dilated cardiomyopathy 1G; Autosomal recessive limb-girdle muscular dystrophy type 2J. Last evaluated: 2026-02-04. Review status: criteria provided, single submitter. Criteria: Invitae Variant Classification Sherloc (09022015). Collection method: clinical testing. Allele origin: germline.

ARUP Laboratories, Molecular Genetics and Genomics, ARUP Laboratories
Classification: Likely benign. Last evaluated: 2025-04-21. Review status: criteria provided, single submitter. Criteria: ARUP Molecular Germline Variant Investigation Process 2024. Collection method: clinical testing. Allele origin: germline.

Molecular Diagnostic Laboratory for Inherited Cardiovascular Disease, Montreal Heart Institute
Classification: Likely benign. Last evaluated: 2025-04-09. Review status: criteria provided, single submitter. Criteria: ACMG Guidelines, 2015. Collection method: clinical testing. Allele origin: germline. Affected: no.

Blueprint Genetics
Classification: Likely benign. Last evaluated: 2024-11-26. Review status: criteria provided, single submitter. Criteria: ACMG Guidelines, 2015. Collection method: clinical testing. Allele origin: germline.

Mayo Clinic Laboratories, Mayo Clinic
Classification: Benign. Last evaluated: 2024-03-27. Review status: criteria provided, single submitter. Criteria: ACMG Guidelines, 2015. Collection method: clinical testing. Allele origin: germline. Observed: 10 variant alleles.
Comment: BS1, BS2, BP4

Women's Health and Genetics/Laboratory Corporation of America, LabCorp
Classification: Likely benign. Last evaluated: 2022-03-05. Review status: criteria provided, single submitter. Criteria: LabCorp Variant Classification Summary - May 2015. Collection method: clinical testing. Allele origin: germline.

Athena Diagnostics
Classification: Benign. Last evaluated: 2020-12-30. Review status: criteria provided, single submitter. Criteria: Athena Diagnostics criteria. Collection method: clinical testing. Allele origin: unknown.

Center for Advanced Laboratory Medicine, UC San Diego Health, University of California San Diego
Classification: Benign for Cardiomyopathy. Last evaluated: 2019-02-26. Review status: criteria provided, single submitter. Criteria: ACMG Guidelines, 2015. Collection method: clinical testing. Allele origin: germline. Affected: yes. Observed: 2 variant alleles.

Illumina Laboratory Services, Illumina
Classification: Uncertain significance for Early-onset myopathy with fatal cardiomyopathy. Last evaluated: 2018-01-13. Review status: criteria provided, single submitter. Criteria: ICSL Variant Classification Criteria 13 December 2019. Collection method: clinical testing. Allele origin: germline.

Illumina Laboratory Services, Illumina
Classification: Benign for Tibial muscular dystrophy. Last evaluated: 2018-01-13. Review status: criteria provided, single submitter. Criteria: ICSL Variant Classification Criteria 13 December 2019. Collection method: clinical testing. Allele origin: germline.
Comment: This variant was observed in the ICSL laboratory as part of a predisposition screen in an ostensibly healthy population. It had not been previously curated by ICSL or reported in the Human Gene Mutation Database (HGMD: prior to June 1st, 2018), and was therefore a candidate for classification through an automated scoring system. Utilizing variant allele frequency, disease prevalence and penetrance estimates, and inheritance mode, an automated score was calculated to assess if this variant is too frequent to cause the disease. Based on the score and internal cut-off values, a variant classified as benign is not then subjected to further curation. The score for this variant resulted in a classification of benign for this disease.

Illumina Laboratory Services, Illumina
Classification: Benign for Myopathy, myofibrillar, 9, with early respiratory failure. Last evaluated: 2018-01-13. Review status: criteria provided, single submitter. Criteria: ICSL Variant Classification Criteria 13 December 2019. Collection method: clinical testing. Allele origin: germline.
Comment: the same text as in the submission from Illumina Laboratory Services, Illumina above.

Illumina Laboratory Services, Illumina
Classification: Uncertain significance for Autosomal recessive limb-girdle muscular dystrophy type 2J. Last evaluated: 2018-01-13. Review status: criteria provided, single submitter. Criteria: ICSL Variant Classification Criteria 13 December 2019. Collection method: clinical testing. Allele origin: germline.

Illumina Laboratory Services, Illumina
Classification: Uncertain significance for Dilated cardiomyopathy 1G. Last evaluated: 2018-01-13. Review status: criteria provided, single submitter. Criteria: ICSL Variant Classification Criteria 13 December 2019. Collection method: clinical testing. Allele origin: germline.

CHEO Genetics Diagnostic Laboratory, Children's Hospital of Eastern Ontario
Classification: Benign for Cardiomyopathy. Last evaluated: 2017-09-15. Review status: criteria provided, single submitter. Criteria: ACMG Guidelines, 2015. Collection method: clinical testing. Allele origin: germline. Study: Canadian Open Genetics Repository.

GeneDx
Classification: Benign. Last evaluated: 2017-03-09. Review status: criteria provided, single submitter. Criteria: GeneDx Variant Classification (06012015). Collection method: clinical testing. Allele origin: germline. Affected: yes.
Comment: This variant is considered likely benign or benign based on one or more of the following criteria: it is a conservative change, it occurs at a poorly conserved position in the protein, it is predicted to be benign by multiple in silico algorithms, and/or has population frequency not consistent with disease.

Laboratory for Molecular Medicine, Mass General Brigham Personalized Medicine
Classification: Likely benign. Last evaluated: 2015-05-21. Review status: criteria provided, single submitter. Criteria: LMM Criteria. Collection method: clinical testing. Allele origin: germline. Observed: 8 variant alleles.
Comment: p.Arg6301Gln in exon 75 of TTN: This variant is not expected to have clinical si gnificance because it has been identified in 0.3% (203/66630) of European chromo somes, including 2 homozygotes, by the Exome Aggregation Consortium (ExAC; dbSNP rs72648969).

Eurofins Ntd Llc (ga)
Classification: Likely benign. Last evaluated: 2015-01-14. Review status: criteria provided, single submitter. Criteria: EGL Classification Definitions 2015. Collection method: clinical testing. Allele origin: germline. Observed: 1 variant allele, 1 heterozygote.

Genetic Services Laboratory, University of Chicago
Classification: Uncertain significance. Last evaluated: 2014-06-05. Review status: criteria provided, single submitter. Criteria: ACMG Guidelines, 2015. Collection method: clinical testing. Allele origin: germline.

Biesecker Lab/Clinical Genomics Section, National Institutes of Health
Classification: Benign. Last evaluated: 2013-06-24. Review status: criteria provided, single submitter. Criteria: Ng et al. (Circ Cardiovasc Genet. 2013). Collection method: research. Allele origin: unknown. Observed: 10 variant alleles. Study: ClinSeq.
Comment: The study set was not selected for affection status in relation to any cancer. Pathogenicity categories were based on literature curation. See Pubmed ID:23861362 for details.

Medical sequencing

PreventionGenetics, part of Exact Sciences
Classification: Likely benign. Review status: criteria provided, single submitter. Criteria: ACMG Guidelines, 2015. Collection method: clinical testing. Allele origin: germline.

Clinical Genetics DNA and cytogenetics Diagnostics Lab, Erasmus MC, Erasmus Medical Center
Classification: Likely benign. Review status: no assertion criteria provided. Collection method: clinical testing. Allele origin: germline. Affected: yes. Study: VKGL Data-share Consensus. Not counted in ClinVar's aggregate classification.

Clinical Genetics, Academic Medical Center
Classification: Benign. Review status: no assertion criteria provided. Collection method: clinical testing. Allele origin: germline. Affected: yes. Study: VKGL Data-share Consensus. Not counted in ClinVar's aggregate classification.

Diagnostic Laboratory, Department of Genetics, University Medical Center Groningen
Classification: Likely benign. Review status: no assertion criteria provided. Collection method: clinical testing. Allele origin: germline. Affected: yes. Study: VKGL Data-share Consensus. Not counted in ClinVar's aggregate classification.

Genome Diagnostics Laboratory, University Medical Center Utrecht
Classification: Benign. Review status: no assertion criteria provided. Collection method: clinical testing. Allele origin: germline. Affected: yes. Study: VKGL Data-share Consensus. Not counted in ClinVar's aggregate classification.

Joint Genome Diagnostic Labs from Nijmegen and Maastricht, Radboudumc and MUMC+
Classification: Benign. Review status: no assertion criteria provided. Collection method: clinical testing. Allele origin: germline. Affected: yes. Study: VKGL Data-share Consensus. Not counted in ClinVar's aggregate classification.

Laboratory of Diagnostic Genome Analysis, Leiden University Medical Center (LUMC)
Classification: Likely benign. Review status: no assertion criteria provided. Collection method: clinical testing. Allele origin: germline. Affected: yes. Study: VKGL Data-share Consensus. Not counted in ClinVar's aggregate classification.

NM_001267550.2(TTN):c.22634G>A (p.Arg7545Gln)

Gene: TTN (titin; minus strand). Cytogenetic location: 2q31.2.
Variant type: single nucleotide variant.
Coding change: c.22634G>A on transcript NM_001267550.2 (MANE Select); coding-DNA position 22634, G replaced by A.
Protein change: p.Arg7545Gln; replaces arginine 7545 with glutamine.
Molecular consequence: missense variant. On other transcripts: intron variant (3).
Genome position (GRCh38, 1-based): chr2:178,722,029, C>T on the plus strand (G>A on the coding strand, the complement: TTN is on the minus strand). VCF-style: chr2-178722029-C-T. GRCh37 (hg19) VCF-style: chr2-179586756-C-T.
Other names: p.R7228Q:CGA>CAA; p.Arg7228Gln; c.22634G>A (NM_001267550.1); c.21683G>A, p.Arg7228Gln (NM_001256850.1); c.18902G>A, p.Arg6301Gln (NM_133378.4); c.13282+16053G>A (NM_003319.4); c.13858+16053G>A (NM_133437.4); c.13657+16053G>A (NM_133432.3); short protein forms R7545Q, R6301Q, R7228Q.
Identifiers: ClinVar variation 46703 (VCV000046703.82), dbSNP rs72648969, ClinGen allele CA139004.